The following is an entry in ClinVar:

NM_001034853.2(RPGR):c.492G>T (p.Trp164Cys)

Gene: RPGR (retinitis pigmentosa GTPase regulator; minus strand). Cytogenetic location: Xp11.4.
Variant type: single nucleotide variant.
Coding change: c.492G>T on transcript NM_001034853.2 (MANE Select); coding-DNA position 492, G replaced by T.
Protein change: p.Trp164Cys; replaces tryptophan 164 with cysteine.
Molecular consequence: missense variant. On other transcripts: non-coding transcript variant (6).
Genome position (GRCh38, 1-based): chrX:38,317,443, C>A on the plus strand (G>T on the coding strand, the complement: RPGR is on the minus strand). VCF-style: chrX-38317443-C-A. GRCh37 (hg19) VCF-style: chrX-38176696-C-A.
Other names: NM_001034853.2(RPGR):c.492G>T; p.Trp164Cys; c.492G>T, p.Trp164Cys (NM_000328.3, NM_001367245.1, NM_001367246.1 and 3 more transcripts); c.522G>T, p.Trp174Cys (NM_001367248.1); c.489G>T, p.Trp163Cys (NM_001367249.1); short protein forms W164C, W174C, W163C.
Identifiers: ClinVar variation 636203 (VCV000636203.3), dbSNP rs62638648, ClinGen allele CA412744921.
Genomic context (GRCh38, chrX:38,317,443, plus strand): 5'-CTGAGGGACACAGACATTACTTACATTTTTTAAACCAATTTGCCCTTCGGAATTGTCACC[C>A]CACATAAAAAGTCTTCCATCCTCTATAAAGAAAAATAAAAGGGGGAGAAAAGGTTTTAAA-3'
Protein context (NP_001030025.1, residues 154-174): ALTEDGRLFM[Trp164Cys]GDNSEGQIGL

ClinVar aggregate classification (germline): Likely pathogenic. Review status: reviewed by expert panel (3 of 4 stars). 3 submissions from 3 submitters: Likely pathogenic (1). 2 of the submissions do not count toward it. Last evaluated 2025-05-20.

Conditions:
Retinal dystrophy. Also called: Inherited retinal dystrophy. Identifiers: Orphanet 71862, MedGen C0854723, MeSH D058499, MONDO:0019118, HP:0000556.
RPGR-related retinopathy. Also called: RPGR retinopathy. Identifiers: MedGen CN305589, MONDO:0100437.
Retinitis pigmentosa (RP). Identifiers: Orphanet 791, MedGen C0035334, MeSH D012174, MONDO:0019200, OMIM 268000. Inheritance: Autosomal dominant, autosomal recessive and X linked inheritance.

Submissions (3):

ClinGen X-linked Inherited Retinal Disease Variant Curation Expert Panel, ClinGen
Classification: Likely pathogenic for RPGR-related retinopathy. Last evaluated: 2025-05-20. Review status: reviewed by expert panel. Criteria: ClinGen X LinkedIRD ACMG Specifications RPGR V1.0.0. Collection method: curation. Allele origin: germline. Inheritance: X-linked inheritance.
Comment: NM_001034853.2(RPGR):c.492G>T (p.Trp164Cys) is a missense variant that substitutes tryptophan with cysteine at amino acid 164. This variant is absent from hemizygous individuals in gnomAD v4.1.0 (PM2_Supporting). The computational predictor REVEL gives a score of 0.929, which is within the ClinGen X-linked IRD VCEP range between 0.931 to 0.773 and predicts a damaging effect on RPGR function (PP3_moderate). The computational splicing predictor SpliceAI gives a delta score of 0.08 for donor gain, which is below the ClinGen X-linked IRD VCEP threshold of >0.2 and does not predict that the variant disrupts RPGR splicing. At least one proband harboring this variant exhibits a phenotype including a family history consistent with X-linked inheritance (lacking male-to-male transmission, 2 pts) with milder phenotypes in females (1 pt), genotyping by a retinal dystrophy panel designed to detect 111 genes identifying no alternative basis for disease (2 pts), night blindness (0.5 pts), reduced best corrected visual acuity (0.5 pts), onset at age 7 years (1 pt), nonrecordable electroretinogram (required), and severe myopia (1 pt), which together are highly specific for RPGR-related retinopathy (8 pts, PMID: 30917587, PP4). The variant has been reported to segregate with retinal dystrophy through an affected mother and son from 1 family (PP1; PMID: 30917587). At least two probands harboring this variant exhibited a phenotype consistent with retinopathy, however, the required phenotypes of reduced electroretinogram responses and/or male loss of visual function before age 30 years could only be confirmed in one case, so PS4_Supporting was not met (PMID: 30718709, PMID: 30917587). In summary, this variant is classified as likely pathogenic for RPGR-related retinopathy based on the ClinGen X-linked Inherited Retinal Disease Expert Panel Specifications to the ACMG/AMP Variant Interpretation Guidelines for RPGR Version 1.0.0; PM2_Supporting, PP1, PP3_moderate, and PP4_moderate. (date of approval 05/16/2025).

Institute of Human Genetics, Univ. Regensburg, Univ. Regensburg
Classification: Likely pathogenic for Retinal dystrophy. Last evaluated: 2022-01-01. Review status: criteria provided, single submitter. Criteria: ACMG Guidelines, 2015. Collection method: clinical testing. Allele origin: germline. Affected: yes. Not counted in ClinVar's aggregate classification.

Department of Clinical Genetics, Copenhagen University Hospital, Rigshospitalet
Classification: Uncertain significance for Retinitis pigmentosa. Last evaluated: 2018-04-01. Review status: no assertion criteria provided. Collection method: research. Allele origin: unknown. Affected: yes. Study: VeluxRD. Not counted in ClinVar's aggregate classification.

Literature cited by the submitters: PubMed 30718709 (cited by Department of Clinical Genetics, Copenhagen University Hospital, Rigshospitalet).